The following is an entry in ClinVar:

NM_001035.3(RYR2):c.10916A>T (p.Lys3639Ile)

Gene: RYR2 (ryanodine receptor 2; plus strand). Cytogenetic location: 1q43.
Variant type: single nucleotide variant.
Coding change: c.10916A>T on transcript NM_001035.3 (MANE Select); coding-DNA position 10916, A replaced by T.
Protein change: p.Lys3639Ile; replaces lysine 3639 with isoleucine.
Molecular consequence: missense variant.
Genome position (GRCh38, 1-based): chr1:237,730,337, A>T. VCF-style: chr1-237730337-A-T. GRCh37 (hg19) VCF-style: chr1-237893637-A-T.
Other names: short protein forms K3639I.
Identifiers: ClinVar variation 1450043 (VCV001450043.47), dbSNP rs1312457776, ClinGen allele CA345417926.

ClinVar aggregate classification (germline): Uncertain significance (1 of 4 stars; one submission).

Conditions:
Catecholaminergic polymorphic ventricular tachycardia 1. Also called: VENTRICULAR TACHYCARDIA, STRESS-INDUCED POLYMORPHIC 1; VENTRICULAR TACHYCARDIA, CATECHOLAMINERGIC POLYMORPHIC, 1, WITH OR WITHOUT ATRIAL DYSFUNCTION AND/OR DILATED CARDIOMYOPATHY; RYR2-Related Catecholaminergic Polymorphic Ventricular Tachycardia. Identifiers: Orphanet 3286, MedGen C1631597, MONDO:0011484, OMIM 604772.

Allele frequency attached by ClinVar (database versions not stated): gnomAD exomes below 0.00001.
gnomAD v4.1: 1 of 1,580,954 alleles (0.000063%); highest among the groups gnomAD compares: East Asian, 0.0022%; no homozygotes.

Submission:

Labcorp Genetics (formerly Invitae), Labcorp
Classification: Uncertain significance for Catecholaminergic polymorphic ventricular tachycardia 1. Last evaluated: 2020-10-27. Review status: criteria provided, single submitter. Criteria: Invitae Variant Classification Sherloc (09022015). Collection method: clinical testing. Allele origin: germline.
Comment: In summary, the available evidence is currently insufficient to determine the role of this variant in disease. Therefore, it has been classified as a Variant of Uncertain Significance. Algorithms developed to predict the effect of missense changes on protein structure and function (SIFT, PolyPhen-2, Align-GVGD) all suggest that this variant is likely to be disruptive, but these predictions have not been confirmed by published functional studies and their clinical significance is uncertain. This variant has not been reported in the literature in individuals with RYR2-related conditions. This variant is not present in population databases (ExAC no frequency). This sequence change replaces lysine with isoleucine at codon 3639 of the RYR2 protein (p.Lys3639Ile). The lysine residue is highly conserved and there is a moderate physicochemical difference between lysine and isoleucine.